The following is an entry in ClinVar:

ClinVar aggregate classification (germline): Uncertain significance (1 of 4 stars; one submission).

Allele frequency attached by ClinVar (database versions not stated): TOPMed 0.00001.

Submission:

Labcorp Genetics (formerly Invitae), Labcorp
Classification: Uncertain significance. Last evaluated: 2025-02-09. Review status: criteria provided, single submitter. Criteria: Invitae Variant Classification Sherloc (09022015). Collection method: clinical testing. Allele origin: germline.
Comment: This sequence change replaces glycine, which is neutral and non-polar, with valine, which is neutral and non-polar, at codon 150 of the CACNA1F protein (p.Gly150Val). This variant is not present in population databases (gnomAD no frequency). This variant has not been reported in the literature in individuals affected with CACNA1F-related conditions. ClinVar contains an entry for this variant (Variation ID: 862963). Invitae Evidence Modeling of protein sequence and biophysical properties (such as structural, functional, and spatial information, amino acid conservation, physicochemical variation, residue mobility, and thermodynamic stability) indicates that this missense variant is expected to disrupt CACNA1F protein function with a positive predictive value of 80%. In summary, the available evidence is currently insufficient to determine the role of this variant in disease. Therefore, it has been classified as a Variant of Uncertain Significance.

NM_001256789.3(CACNA1F):c.449G>T (p.Gly150Val)

Gene: CACNA1F (calcium voltage-gated channel subunit alpha1 F; minus strand). Cytogenetic location: Xp11.23.
Variant type: single nucleotide variant.
Coding change: c.449G>T on transcript NM_001256789.3 (MANE Select); coding-DNA position 449, G replaced by T.
Protein change: p.Gly150Val; replaces glycine 150 with valine.
Molecular consequence: missense variant.
Genome position (GRCh38, 1-based): chrX:49,230,922, C>A on the plus strand (G>T on the coding strand, the complement: CACNA1F is on the minus strand). VCF-style: chrX-49230922-C-A. GRCh37 (hg19) VCF-style: chrX-49087384-C-A.
Other names: c.254G>T, p.Gly85Val (NM_001256790.3); c.449G>T, p.Gly150Val (NM_005183.4); short protein forms G150V, G85V.
Identifiers: ClinVar variation 862963 (VCV000862963.9), dbSNP rs2065871508, ClinGen allele CA412926056.
Genomic context (GRCh38, chrX:49,230,922, plus strand): 5'-ATGATGAAGTCGAGTAGGTTCCAGCCATTGCGGATGTAGGCGCTGGGGTGGAGCACCAGC[C>A]CGTAGGCCACGATCTTGAGCACCGTCTCCACAGTGAAAATCACCAGGAATACGTACTCCA-3'
Protein context (NP_001243718.1, residues 140-160): VETVLKIVAY[Gly150Val]LVLHPSAYIR